The following is an entry in ClinVar:

ClinVar aggregate classification (germline): Likely benign (1 of 4 stars; one submission).

Allele frequency attached by ClinVar (database versions not stated): TOPMed below 0.00001; ExAC 0.00001; gnomAD 0.00002.
gnomAD v4.1: 14 of 1,611,870 alleles (0.00087%); highest among the groups gnomAD compares: African/African-American, 0.0027%; no homozygotes.

Submission:

CeGaT Center for Human Genetics Tuebingen
Classification: Likely benign. Last evaluated: 2023-02-01. Review status: criteria provided, single submitter. Criteria: CeGaT Center For Human Genetics Tuebingen Variant Classification Criteria Version 2. Collection method: clinical testing. Allele origin: germline. Affected: yes. Observed: 1 variant allele.
Comment: ELMO3: BP4, BP7

NM_024712.5(ELMO3):c.981G>A (p.Ser327=)

Gene: ELMO3 (engulfment and cell motility 3; plus strand). Cytogenetic location: 16q22.1.
Variant type: single nucleotide variant.
Coding change: c.981G>A on transcript NM_024712.5 (MANE Select); coding-DNA position 981, G replaced by A.
Protein change: p.Ser327=; no amino-acid change (serine 327 retained).
Molecular consequence: synonymous variant.
Genome position (GRCh38, 1-based): chr16:67,201,804, G>A. VCF-style: chr16-67201804-G-A. GRCh37 (hg19) VCF-style: chr16-67235707-G-A.
Identifiers: ClinVar variation 2646615 (VCV002646615.24), dbSNP rs747875589, ClinGen allele CA8104532.